The following is an entry in ClinVar:

ClinVar aggregate classification (germline): Likely benign. Review status: criteria provided, multiple submitters, no conflicts (2 of 4 stars). 2 submissions from 2 submitters: Likely benign (2). Last evaluated 2026-01-27.

Conditions:
Juvenile polyposis syndrome (JPS). Identifiers: Orphanet 2929, MedGen C0345893, MONDO:0017380, OMIM 174900.
Juvenile polyposis/hereditary hemorrhagic telangiectasia syndrome (JPHT). Also called: Juvenile Polyposis Syndrome / Hereditary Hemorrhagic Telangiectasia (JPS/HHT); JP/HHT SYNDROME; JUVENILE POLYPOSIS WITH HEREDITARY HEMORRHAGIC TELANGIECTASIA; POLYPOSIS, GENERALIZED JUVENILE, WITH PULMONARY ARTERIOVENOUS MALFORMATION; TELANGIECTASIA, HEREDITARY HEMORRHAGIC, WITH JUVENILE POLYPOSIS COLI. Identifiers: Orphanet 2929, MedGen C1832942, MONDO:0008278, OMIM 175050.

Allele frequency attached by ClinVar (database versions not stated): gnomAD exomes below 0.00001; gnomAD 0.00001; TOPMed 0.00001.
gnomAD v4.1: 2 of 1,609,064 alleles (0.00012%); highest among the groups gnomAD compares: African/African-American, 0.0027%; no homozygotes.

Submissions (2):

Labcorp Genetics (formerly Invitae), Labcorp
Classification: Likely benign for Juvenile polyposis syndrome. Last evaluated: 2026-01-27. Review status: criteria provided, single submitter. Criteria: Invitae Variant Classification Sherloc (09022015). Collection method: clinical testing. Allele origin: germline.

Myriad Genetics, Inc.
Classification: Likely benign for Juvenile polyposis/hereditary hemorrhagic telangiectasia syndrome. Last evaluated: 2025-03-21. Review status: criteria provided, single submitter. Criteria: Myriad Autosomal Dominant, Autosomal Recessive and X-Linked Classification Criteria (2023). Collection method: clinical testing. Allele origin: unknown.
Comment: This variant is considered likely benign. This variant is intronic and is not expected to impact mRNA splicing.

NM_005359.6(SMAD4):c.1139+10G>C

Gene: SMAD4 (SMAD family member 4; plus strand). Cytogenetic location: 18q21.2.
Variant type: single nucleotide variant.
Coding change: c.1139+10G>C on transcript NM_005359.6 (MANE Select); 10 bases into the intron after coding-DNA position 1139, G replaced by C.
Molecular consequence: intron variant.
Genome position (GRCh38, 1-based): chr18:51,065,616, G>C. VCF-style: chr18-51065616-G-C. GRCh37 (hg19) VCF-style: chr18-48591986-G-C.
Identifiers: ClinVar variation 529958 (VCV000529958.11), dbSNP rs1324590608, ClinGen allele CA629926667.